The following is an entry in ClinVar:

ClinVar aggregate classification (germline): Uncertain significance (1 of 4 stars; one submission).

Conditions:
PLEC-related disorder. Also called: PLEC-related condition; PLEC-related disorders.

gnomAD v4.1: 17 of 1,612,348 alleles (0.0011%); highest among the groups gnomAD compares: Non-Finnish European, 0.0014%; no homozygotes.

Submission:

PreventionGenetics, part of Exact Sciences
Classification: Uncertain significance for PLEC-related condition. Last evaluated: 2026-01-26. Review status: criteria provided, single submitter. Criteria: ACMG Guidelines, 2015. Collection method: clinical testing. Allele origin: germline.
Comment: The PLEC c.95C>T variant is predicted to result in the amino acid substitution p.Ala32Val. To our knowledge, this variant has not been reported in the literature. This variant is reported in 0.0032% of alleles in individuals of European (Non-Finnish) descent in gnomAD. At this time, the clinical significance of this variant is uncertain due to the absence of conclusive functional and genetic evidence.

NM_201384.3(PLEC):c.95C>T (p.Ala32Val)

Genes: PLEC (plectin; minus strand), LOC130001338 (ATAC-STARR-seq lymphoblastoid active region 28078; plus strand). Cytogenetic location: 8q24.3.
Variant type: single nucleotide variant.
Coding change: c.95C>T on transcript NM_201384.3 (MANE Select); coding-DNA position 95, C replaced by T.
Protein change: p.Ala32Val; replaces alanine 32 with valine.
Molecular consequence: missense variant. On other transcripts: intron variant (8).
Genome position (GRCh38, 1-based): chr8:143,939,367, G>A on the plus strand (C>T on the coding strand, the complement: PLEC is on the minus strand). VCF-style: chr8-143939367-G-A. GRCh37 (hg19) VCF-style: chr8-145013535-G-A.
Other names: c.194-675C>T (NM_001410941.1, NM_000445.5); c.71-675C>T (NM_201378.4); c.47-675C>T (NM_201379.3); c.524-675C>T (NM_201380.4); c.17-675C>T (NM_201381.3); c.113-675C>T (NM_201382.4); c.125-675C>T (NM_201383.3); short protein forms A32V.
Identifiers: ClinVar variation 4979580 (VCV004979580.1).